The following is an entry in ClinVar:

NM_001851.6(COL9A1):c.2593C>T (p.Pro865Ser)

Gene: COL9A1 (collagen type IX alpha 1 chain; minus strand). Cytogenetic location: 6q13.
Variant type: single nucleotide variant.
Coding change: c.2593C>T on transcript NM_001851.6 (MANE Select); coding-DNA position 2593, C replaced by T.
Protein change: p.Pro865Ser; replaces proline 865 with serine.
Molecular consequence: missense variant. On other transcripts: non-coding transcript variant (1).
Genome position (GRCh38, 1-based): chr6:70,217,070, G>A on the plus strand (C>T on the coding strand, the complement: COL9A1 is on the minus strand). VCF-style: chr6-70217070-G-A. GRCh37 (hg19) VCF-style: chr6-70926773-G-A.
Other names: c.1894C>T, p.Pro632Ser (NM_001377289.1); c.1717C>T, p.Pro573Ser (NM_001377290.1); c.1864C>T, p.Pro622Ser (NM_078485.4); c.2593C>T (NM_001851.4); short protein forms P622S, P632S, P865S, P573S.
Identifiers: ClinVar variation 1512302 (VCV001512302.7), dbSNP rs1203477719, ClinGen allele CA364668175.

ClinVar aggregate classification (germline): Uncertain significance. Review status: criteria provided, multiple submitters, no conflicts (2 of 4 stars). 3 submissions from 3 submitters: Uncertain significance (3). Last evaluated 2025-08-23.

Conditions:
Inborn genetic diseases. Identifiers: MedGen C0950123, MeSH D030342.

Allele frequency attached by ClinVar (database versions not stated): gnomAD exomes below 0.00001.
gnomAD v4.1: 4 of 1,614,022 alleles (0.00025%); highest among the groups gnomAD compares: Admixed American, 0.0017%; no homozygotes.

Submissions (3):

Ambry Genetics
Classification: Uncertain significance for Inborn genetic diseases. Last evaluated: 2025-08-23. Review status: criteria provided, single submitter. Criteria: Ambry Variant Classification Scheme 2023. Collection method: clinical testing. Allele origin: germline.

Blueprint Genetics
Classification: Uncertain significance. Last evaluated: 2023-04-13. Review status: criteria provided, single submitter. Criteria: ACMG Guidelines, 2015. Collection method: clinical testing. Allele origin: germline.

Labcorp Genetics (formerly Invitae), Labcorp
Classification: Uncertain significance. Last evaluated: 2022-09-01. Review status: criteria provided, single submitter. Criteria: Invitae Variant Classification Sherloc (09022015). Collection method: clinical testing. Allele origin: germline.
Comment: This sequence change replaces proline, which is neutral and non-polar, with serine, which is neutral and polar, at codon 865 of the COL9A1 protein (p.Pro865Ser). This variant is present in population databases (no rsID available, gnomAD 0.003%). This variant has not been reported in the literature in individuals affected with COL9A1-related conditions. ClinVar contains an entry for this variant (Variation ID: 1512302). Advanced modeling of protein sequence and biophysical properties (such as structural, functional, and spatial information, amino acid conservation, physicochemical variation, residue mobility, and thermodynamic stability) performed at Invitae indicates that this missense variant is not expected to disrupt COL9A1 protein function. In summary, the available evidence is currently insufficient to determine the role of this variant in disease. Therefore, it has been classified as a Variant of Uncertain Significance.